The following is an entry in ClinVar:

ClinVar aggregate classification (germline): Uncertain significance (1 of 4 stars; one submission).

Conditions:
Hereditary cancer-predisposing syndrome. Also called: Hereditary Cancer Syndrome; Hereditary neoplastic syndrome; Neoplastic Syndromes, Hereditary; Tumor predisposition. Identifiers: Orphanet 140162, MedGen C0027672, MeSH D009386, MONDO:0015356.

Submission:

Ambry Genetics
Classification: Uncertain significance for Hereditary cancer-predisposing syndrome. Last evaluated: 2025-07-18. Review status: criteria provided, single submitter. Criteria: Ambry Variant Classification Scheme 2023. Collection method: clinical testing. Allele origin: germline.
Comment: The p.A420G variant (also known as c.1259C>G), located in coding exon 9 of the FH gene, results from a C to G substitution at nucleotide position 1259. The alanine at codon 420 is replaced by glycine, an amino acid with similar properties. This amino acid position is conserved. In addition, the in silico prediction for this alteration is inconclusive. Based on the available evidence, the clinical significance of this variant remains unclear.

NM_000143.4(FH):c.1259C>G (p.Ala420Gly)

Gene: FH (fumarate hydratase; minus strand). Cytogenetic location: 1q43.
Variant type: single nucleotide variant.
Coding change: c.1259C>G on transcript NM_000143.4 (MANE Select); coding-DNA position 1259, C replaced by G.
Protein change: p.Ala420Gly; replaces alanine 420 with glycine.
Molecular consequence: missense variant.
Genome position (GRCh38, 1-based): chr1:241,500,568, G>C on the plus strand (C>G on the coding strand, the complement: FH is on the minus strand). VCF-style: chr1-241500568-G-C. GRCh37 (hg19) VCF-style: chr1-241663868-G-C.
Other names: short protein forms A420G.
Identifiers: ClinVar variation 4257344 (VCV004257344.1).